The following is an entry in ClinVar:

ClinVar aggregate classification (germline): Conflicting classifications of pathogenicity. Review status: criteria provided, conflicting classifications (1 of 4 stars). 8 submissions from 8 submitters: Uncertain significance (1); Benign (1); Likely benign (2). 4 of the submissions do not count toward it. Last evaluated 2026-01-24.

Conditions:
Niemann-Pick disease, type C1. Also called: NEUROVISCERAL STORAGE DISEASE WITH VERTICAL SUPRANUCLEAR OPHTHALMOPLEGIA; NIEMANN-PICK DISEASE WITH CHOLESTEROL ESTERIFICATION BLOCK; NIEMANN-PICK DISEASE WITHOUT SPHINGOMYELINASE DEFICIENCY; NIEMANN-PICK DISEASE, CHRONIC NEURONOPATHIC FORM; NIEMANN-PICK DISEASE, VARIANT TYPE C1. Identifiers: Orphanet 646, MedGen C3179455, MONDO:0009757, OMIM 257220.
Niemann-Pick disease, type C2 (NPC2). Identifiers: Orphanet 646, MedGen C1843366, MONDO:0011873, OMIM 607625.

Allele frequency attached by ClinVar (database versions not stated): 1000 Genomes Project 30x 0.00016; 1000 Genomes Project 0.00020; TOPMed 0.00056; ESP Exome Variant Server 0.00077; gnomAD 0.00088 and 0.00093; gnomAD exomes 0.00104 and 0.00120; ExAC 0.00130.
gnomAD v4.1: 1,655 of 1,614,012 alleles (0.1%); highest among the groups gnomAD compares: Non-Finnish European, 0.096%; 5 homozygotes.

Submissions (8):

Labcorp Genetics (formerly Invitae), Labcorp
Classification: Benign for Niemann-Pick disease, type C2. Last evaluated: 2026-01-24. Review status: criteria provided, single submitter. Criteria: Invitae Variant Classification Sherloc (09022015). Collection method: clinical testing. Allele origin: germline.

CeGaT Center for Human Genetics Tuebingen
Classification: Likely benign. Last evaluated: 2025-01-01. Review status: criteria provided, single submitter. Criteria: CeGaT Center For Human Genetics Tuebingen Variant Classification Criteria Version 2. Collection method: clinical testing. Allele origin: germline. Affected: yes. Observed: 2 variant alleles.
Comment: NPC2: BP4, BS2

Illumina Laboratory Services, Illumina
Classification: Uncertain significance for Niemann-Pick disease type C1. Last evaluated: 2018-01-13. Review status: criteria provided, single submitter. Criteria: ICSL Variant Classification Criteria 13 December 2019. Collection method: clinical testing. Allele origin: germline.

Eurofins Ntd Llc (ga)
Classification: Likely benign. Last evaluated: 2016-09-27. Review status: criteria provided, single submitter. Criteria: EGL Classification Definitions 2015. Collection method: clinical testing. Allele origin: germline. Observed: 1 variant allele, 1 heterozygote.

Natera, Inc.
Classification: Benign for Niemann-Pick disease type C2. Last evaluated: 2020-04-18. Review status: no assertion criteria provided. Collection method: clinical testing. Allele origin: germline. Not counted in ClinVar's aggregate classification.

Clinical Genetics DNA and cytogenetics Diagnostics Lab, Erasmus MC, Erasmus Medical Center
Classification: Likely benign. Review status: no assertion criteria provided. Collection method: clinical testing. Allele origin: germline. Affected: yes. Study: VKGL Data-share Consensus. Not counted in ClinVar's aggregate classification.

Diagnostic Laboratory, Department of Genetics, University Medical Center Groningen
Classification: Likely benign for Niemann-Pick disease, type C2. Review status: no assertion criteria provided. Collection method: clinical testing. Allele origin: germline. Affected: yes. Study: VKGL Data-share Consensus. Not counted in ClinVar's aggregate classification.

Genome Diagnostics Laboratory, Amsterdam University Medical Center
Classification: Likely benign. Review status: no assertion criteria provided. Collection method: clinical testing. Allele origin: germline. Affected: yes. Study: VKGL Data-share Consensus. Not counted in ClinVar's aggregate classification.

NM_006432.5(NPC2):c.363+7G>A

Gene: NPC2 (NPC intracellular cholesterol transporter 2; minus strand). Cytogenetic location: 14q24.3.
Variant type: single nucleotide variant.
Coding change: c.363+7G>A on transcript NM_006432.5 (MANE Select); 7 bases into the intron after coding-DNA position 363, G replaced by A.
Molecular consequence: intron variant.
Genome position (GRCh38, 1-based): chr14:74,484,408, C>T on the plus strand (G>A on the coding strand, the complement: NPC2 is on the minus strand). VCF-style: chr14-74484408-C-T. GRCh37 (hg19) VCF-style: chr14-74951111-C-T.
Other names: c.363+7G>A (NM_001363688.1, NM_001375440.1).
Identifiers: ClinVar variation 314238 (VCV000314238.35), dbSNP rs200463204, ClinGen allele CA7268143.